The following is an entry in ClinVar:

ClinVar aggregate classification (germline): Benign. Review status: criteria provided, multiple submitters, no conflicts (2 of 4 stars). 4 submissions from 3 submitters: Benign (3). 1 of the submissions does not count toward it. Last evaluated 2026-02-04.

Conditions:
Spastic ataxia 2. Also called: Ataxia, spastic, 2, autosomal recessive. Identifiers: Orphanet 397946, MedGen C1969796, MONDO:0012651, OMIM 611302.

Submissions (4):

Labcorp Genetics (formerly Invitae), Labcorp
Classification: Benign for Spastic ataxia 2. Last evaluated: 2026-02-04. Review status: criteria provided, single submitter. Criteria: Invitae Variant Classification Sherloc (09022015). Collection method: clinical testing. Allele origin: germline.

Mayo Clinic Laboratories, Mayo Clinic
Classification: Benign. Last evaluated: 2023-01-04. Review status: criteria provided, single submitter. Criteria: ACMG Guidelines, 2015. Collection method: clinical testing. Allele origin: germline. Observed: 236 variant alleles.
Comment: BA1

GeneDx
Classification: Benign. Last evaluated: 2018-05-29. Review status: criteria provided, single submitter. Criteria: GeneDx Variant Classification Process June 2021. Collection method: clinical testing. Allele origin: germline. Affected: yes.

GeneDx
Classification: Benign. Last evaluated: 2016-03-08. Review status: flagged submission. Criteria: GeneDx Variant Classification Process June 2021. Collection method: clinical testing. Allele origin: germline. Affected: yes. Not counted in ClinVar's aggregate classification.
ClinVar note: Reason: This record appears to be redundant with a more recent record from the same submitter.
ClinVar note: Notes: SCV001907283 appears to be redundant with SCV000730030.

NM_006612.6(KIF1C):c.720+19_720+20del

Gene: KIF1C (kinesin family member 1C; plus strand). Cytogenetic location: 17p13.2.
Variant type: Deletion.
Coding change: c.720+19_720+20del on transcript NM_006612.6 (MANE Select); bases 19 to 20 of the intron after coding-DNA position 720, 2 bases deleted (CC; older notation c.720+19_720+20delCC).
Molecular consequence: intron variant.
Genome position (GRCh38, 1-based): chr17:5,002,861-5,002,862, CC deleted; deleting any 2 consecutive bases within chr17:5,002,852-5,002,862 gives the same sequence; the c. name uses the placement nearest the transcript's 3' end. VCF-style (leftmost placement, unchanged base first): chr17-5002851-GCC-G. GRCh37 (hg19) VCF-style: chr17-4906146-GCC-G.
Other names: p.?.
Identifiers: ClinVar variation 516675 (VCV000516675.51), dbSNP rs10533622, ClinGen allele CA8318653.